The following is an entry in ClinVar:

NM_001105206.3(LAMA4):c.5327-301C>A

Gene: LAMA4 (laminin subunit alpha 4; minus strand). Cytogenetic location: 6q21.
Variant type: single nucleotide variant.
Coding change: c.5327-301C>A on transcript NM_001105206.3 (MANE Select); 301 bases into the intron before coding-DNA position 5327, C replaced by A.
Molecular consequence: intron variant.
Genome position (GRCh38, 1-based): chr6:112,109,883, G>T on the plus strand (C>A on the coding strand, the complement: LAMA4 is on the minus strand). VCF-style: chr6-112109883-G-T. GRCh37 (hg19) VCF-style: chr6-112431086-G-T.
Other names: c.5306-301C>A (NM_002290.5, NM_001105207.3).
Identifiers: ClinVar variation 683596 (VCV000683596.1), dbSNP rs78797614, ClinGen allele CA144876235.

ClinVar aggregate classification (germline): Likely benign (1 of 4 stars; one submission).

Allele frequency attached by ClinVar (database versions not stated): gnomAD 0.00643 and 0.00692; TOPMed 0.00710; 1000 Genomes Project 0.00879; 1000 Genomes Project 30x 0.00953.
gnomAD v4.1: 967 of 152,250 alleles (0.64%); highest among the groups gnomAD compares: African/African-American, 2.2%; 11 homozygotes.

Submission:

GeneDx
Classification: Likely benign. Last evaluated: 2018-06-19. Review status: criteria provided, single submitter. Criteria: GeneDx Variant Classification (06012015). Collection method: clinical testing. Allele origin: germline. Affected: yes.
Comment: This variant is considered likely benign or benign based on one or more of the following criteria: it is a conservative change, it occurs at a poorly conserved position in the protein, it is predicted to be benign by multiple in silico algorithms, and/or has population frequency not consistent with disease.